The following is an entry in ClinVar:

NM_022436.3(ABCG5):c.719G>T (p.Arg240Leu)

Genes: ABCG5 (ATP binding cassette subfamily G member 5; minus strand), DYNC2LI1 (dynein cytoplasmic 2 light intermediate chain 1; plus strand). Cytogenetic location: 2p21.
Variant type: single nucleotide variant.
Coding change: c.719G>T on transcript NM_022436.3 (MANE Select); coding-DNA position 719, G replaced by T.
Protein change: p.Arg240Leu; replaces arginine 240 with leucine.
Molecular consequence: missense variant. On other transcripts: intron variant (2).
Genome position (GRCh38, 1-based): chr2:43,826,437, C>A on the plus strand (G>T on the coding strand, the complement: ABCG5 is on the minus strand). VCF-style: chr2-43826437-C-A. GRCh37 (hg19) VCF-style: chr2-44053576-C-A.
Other names: c.*16-949C>A (NM_001348913.2, NM_001348912.2); short protein forms R240L.
Identifiers: ClinVar variation 2123800 (VCV002123800.4), dbSNP rs555312841, ClinGen allele CA346666381.

ClinVar aggregate classification (germline): Uncertain significance (1 of 4 stars; one submission).

Conditions:
Sitosterolemia (STSL). Also called: PHYTOSTEROLEMIA. Identifiers: Orphanet 2882, MedGen C0342907, MONDO:0008863.

gnomAD v4.1: 1 of 1,614,062 alleles (0.000062%); highest among the groups gnomAD compares: Non-Finnish European, 0.000085%; no homozygotes.

Submission:

Labcorp Genetics (formerly Invitae), Labcorp
Classification: Uncertain significance for Sitosterolemia. Last evaluated: 2022-04-09. Review status: criteria provided, single submitter. Criteria: Invitae Variant Classification Sherloc (09022015). Collection method: clinical testing. Allele origin: germline.
Comment: This sequence change replaces arginine, which is basic and polar, with leucine, which is neutral and non-polar, at codon 240 of the ABCG5 protein (p.Arg240Leu). This variant is not present in population databases (gnomAD no frequency). This variant has not been reported in the literature in individuals affected with ABCG5-related conditions. Algorithms developed to predict the effect of missense changes on protein structure and function (SIFT, PolyPhen-2, Align-GVGD) all suggest that this variant is likely to be disruptive. In summary, the available evidence is currently insufficient to determine the role of this variant in disease. Therefore, it has been classified as a Variant of Uncertain Significance.